The following is an entry in ClinVar:

NM_000289.6(PFKM):c.295del (p.Leu99fs)

Gene: PFKM (phosphofructokinase, muscle; plus strand). Cytogenetic location: 12q13.11.
Variant type: Deletion.
Coding change: c.295del on transcript NM_000289.6 (MANE Select); coding-DNA position 295, one base deleted (C; older notation c.295delC).
Protein change: p.Leu99fs; shifts the reading frame from leucine 99.
Molecular consequence: frameshift variant. On other transcripts: non-coding transcript variant (6).
Genome position (GRCh38, 1-based): chr12:48,132,925, C deleted. VCF-style (leftmost placement, unchanged base first): chr12-48132924-AC-A. GRCh37 (hg19) VCF-style: chr12-48526707-AC-A.
Other names: c.508del, p.Leu170fs (NM_001166686.2, NM_001354737.1, NM_001354738.1 and 2 more transcripts); c.295del, p.Leu99fs (NM_001166687.2, NM_001166688.2, NM_001354742.2 and 4 more transcripts); c.604del, p.Leu202fs (NM_001354735.1, NM_001354736.1); c.439del, p.Leu147fs (NM_001354740.1); c.319del, p.Leu107fs (NM_001354741.2); c.208del, p.Leu70fs (NM_001354745.2); c.145del, p.Leu49fs (NM_001354747.2, NM_001354748.2); short protein forms L107fs, L147fs, L170fs, L202fs, L49fs, L70fs, L99fs.
Identifiers: ClinVar variation 5016179 (VCV005016179.1).

ClinVar aggregate classification (germline): Pathogenic (1 of 4 stars; one submission).

Conditions:
Glycogen storage disease, type VII (GSD7). Also called: PFKM DEFICIENCY; TARUI DISEASE; GSD VII; MUSCLE PHOSPHOFRUCTOKINASE DEFICIENCY. Identifiers: Orphanet 371, MedGen C0017926, MONDO:0009295, OMIM 232800.

Submission:

Myriad Genetics, Inc.
Classification: Pathogenic for Glycogen storage disease, type VII. Last evaluated: 2026-07-29. Review status: criteria provided, single submitter. Criteria: Myriad Autosomal Dominant, Autosomal Recessive and X-Linked Classification Criteria (2023). Collection method: clinical testing. Allele origin: unknown.
Comment: NM_001166686.1(PFKM):c.508delC(L170Sfs*8) is expected to be pathogenic in the context of glycogen storage disease, PFKM-related. This variant is predicted to lead to an abnormal or absent protein product due to the creation of a premature termination codon in PFKM, a gene where loss-of-function variants are known to be pathogenic. Please note: this variant was assessed in the context of healthy population screening.